The following is an entry in ClinVar:

ClinVar aggregate classification (germline): Uncertain significance (1 of 4 stars; one submission).

Submission:

Ambry Genetics
Classification: Uncertain significance. Last evaluated: 2021-09-30. Review status: criteria provided, single submitter. Criteria: Ambry Variant Classification Scheme 2023. Collection method: clinical testing. Allele origin: germline.
Comment: The p.F3236S variant (also known as c.9707T>C), located in coding exon 69 of the PRKDC gene, results from a T to C substitution at nucleotide position 9707. The phenylalanine at codon 3236 is replaced by serine, an amino acid with highly dissimilar properties. This amino acid position is conserved. Since supporting evidence is limited at this time, the clinical significance of this alteration remains unclear.

NM_006904.7(PRKDC):c.9707T>C (p.Phe3236Ser)

Gene: PRKDC (protein kinase, DNA-activated, catalytic subunit; minus strand). Cytogenetic location: 8q11.21.
Variant type: single nucleotide variant.
Coding change: c.9707T>C on transcript NM_006904.7 (MANE Select); coding-DNA position 9707, T replaced by C.
Protein change: p.Phe3236Ser; replaces phenylalanine 3236 with serine.
Molecular consequence: missense variant.
Genome position (GRCh38, 1-based): chr8:47,807,177, A>G on the plus strand (T>C on the coding strand, the complement: PRKDC is on the minus strand). VCF-style: chr8-47807177-A-G. GRCh37 (hg19) VCF-style: chr8-48719738-A-G.
Other names: c.9707T>C, p.Phe3236Ser (NM_001081640.2); short protein forms F3236S.
Identifiers: ClinVar variation 1767927 (VCV001767927.2), dbSNP rs1563744758, ClinGen allele CA371137239.